The following is an entry in ClinVar:

ClinVar aggregate classification (germline): Likely benign (1 of 4 stars; one submission).

Submission:

CeGaT Center for Human Genetics Tuebingen
Classification: Likely benign. Last evaluated: 2026-08-01. Review status: criteria provided, single submitter. Criteria: CeGaT Center For Human Genetics Tuebingen Variant Classification Criteria Version 2. Collection method: clinical testing. Allele origin: germline. Affected: yes. Observed: 1 variant allele.
Comment: CAPN15: BP4, BP7

NM_005632.3(CAPN15):c.1821C>T (p.Ala607=)

Gene: CAPN15 (calpain 15; plus strand). Cytogenetic location: 16p13.3.
Variant type: single nucleotide variant.
Coding change: c.1821C>T on transcript NM_005632.3 (MANE Select); coding-DNA position 1821, C replaced by T.
Protein change: p.Ala607=; no amino-acid change (alanine 607 retained).
Molecular consequence: synonymous variant.
Genome position (GRCh38, 1-based): chr16:549,450, C>T. VCF-style: chr16-549450-C-T. GRCh37 (hg19) VCF-style: chr16-599450-C-T.
Identifiers: ClinVar variation 5038893 (VCV005038893.1).
Genomic context (GRCh38, chr16:549,450, plus strand): 5'-GTGCAAGGACGGCACGTGGACCACGGTGCTGGTGGACGACATGCTGCCCTGTGATGAGGC[C>T]GGCTGCCTCCTCTTCTCACAGGTGGGGCGGCCTGCAGGGTGGGCACGGGCGGCAGGGGCA-3'
Protein context (NP_005623.1, residues 597-617): LVDDMLPCDE[Ala607=]GCLLFSQAQR